The following is an entry in ClinVar:

ClinVar aggregate classification (germline): Pathogenic/Likely pathogenic. Review status: criteria provided, multiple submitters, no conflicts (2 of 4 stars). 5 submissions from 5 submitters: Pathogenic (4); Likely pathogenic (1). Last evaluated 2026-01-24.

Conditions:
UMOD-related disorder. Also called: UMOD-related condition.
Inborn genetic diseases. Identifiers: MedGen C0950123, MeSH D030342.
Familial juvenile hyperuricemic nephropathy type 1 (ADTKD1). Also called: UMOD-Associated Kidney Disease; Uromodulin-associated kidney disease; Glomerulocystic kidney disease with hyperuricemia and isosthenuria; Medullary cystic kidney disease 2; Autosomal Dominant Tubulointerstitial Kidney Disease – UMOD. Identifiers: Orphanet 209886, Orphanet 34149, Orphanet 88950, MedGen C4551496, MONDO:0008073, OMIM 162000.

Allele frequency attached by ClinVar (database versions not stated): gnomAD exomes below 0.00001.
gnomAD v4.1: 1 of 1,591,416 alleles (0.000063%); highest among the groups gnomAD compares: Non-Finnish European, 0.000085%; no homozygotes.

Submissions (5):

Labcorp Genetics (formerly Invitae), Labcorp
Classification: Pathogenic. Last evaluated: 2026-01-24. Review status: criteria provided, single submitter. Criteria: Invitae Variant Classification Sherloc (09022015). Collection method: clinical testing. Allele origin: germline.
Comment: This sequence change replaces proline, which is neutral and non-polar, with leucine, which is neutral and non-polar, at codon 236 of the UMOD protein (p.Pro236Leu). The frequency data for this variant in the population databases is considered unreliable, as metrics indicate poor data quality at this position in the gnomAD database. This missense change has been observed in individual(s) with juvenile hyperuricemic nephropathy (PMID: 15086896). It has also been observed to segregate with disease in related individuals. ClinVar contains an entry for this variant (Variation ID: 521547). Invitae Evidence Modeling of protein sequence and biophysical properties (such as structural, functional, and spatial information, amino acid conservation, physicochemical variation, residue mobility, and thermodynamic stability) indicates that this missense variant is expected to disrupt UMOD protein function with a positive predictive value of 80%. This variant disrupts the p.Pro236 amino acid residue in UMOD. Other variant(s) that disrupt this residue have been determined to be pathogenic (PMID: 15086896). This suggests that this residue is clinically significant, and that variants that disrupt this residue are likely to be disease-causing. For these reasons, this variant has been classified as Pathogenic.

Fulgent Genetics
Classification: Pathogenic for Familial juvenile hyperuricemic nephropathy type 1. Last evaluated: 2024-05-30. Review status: criteria provided, single submitter. Criteria: ACMG Guidelines, 2015. Collection method: clinical testing. Allele origin: germline.

PreventionGenetics, part of Exact Sciences
Classification: Pathogenic for UMOD-related condition. Last evaluated: 2023-08-08. Review status: criteria provided, single submitter. Criteria: ACMG Guidelines, 2015. Collection method: clinical testing. Allele origin: germline.
Comment: The UMOD c.707C>T variant is predicted to result in the amino acid substitution p.Pro236Leu. This variant was reported in multiple unrelated individuals with juvenile hyperuricemic nephropathy, (Kudo et al. 2004. PubMed ID: 15086896; Bollée et al. 2011. PubMed ID: 21868615; Hureaux et al. 2019. PubMed ID: 31672324; Olinger et al. 2020. PubMed ID: 32450155). This variant is reported in 0.0011% of alleles in individuals of European (Non-Finnish) descent in gnomAD. This variant is interpreted as pathogenic.

Institute of Medical Genetics and Applied Genomics, University Hospital Tübingen
Classification: Likely pathogenic. Last evaluated: 2020-10-23. Review status: criteria provided, single submitter. Criteria: ACMG Guidelines, 2015. Collection method: clinical testing. Allele origin: germline. Inheritance: Autosomal dominant inheritance. Affected: yes.

Ambry Genetics
Classification: Pathogenic for Inborn genetic diseases. Last evaluated: 2017-02-17. Review status: criteria provided, single submitter. Criteria: Ambry exome assertion method (8-5-2015). Collection method: clinical testing. Allele origin: germline. Affected: yes. Observed: 1 variant allele.

Literature cited by the submitters: PubMed 15086896 (cited by Labcorp Genetics (formerly Invitae), Labcorp).

NM_003361.4(UMOD):c.707C>T (p.Pro236Leu)

Gene: UMOD (uromodulin; minus strand). Cytogenetic location: 16p12.3.
Variant type: single nucleotide variant.
Coding change: c.707C>T on transcript NM_003361.4 (MANE Select); coding-DNA position 707, C replaced by T.
Protein change: p.Pro236Leu; replaces proline 236 with leucine.
Molecular consequence: missense variant. On other transcripts: non-coding transcript variant (1).
Genome position (GRCh38, 1-based): chr16:20,348,594, G>A on the plus strand (C>T on the coding strand, the complement: UMOD is on the minus strand). VCF-style: chr16-20348594-G-A. GRCh37 (hg19) VCF-style: chr16-20359916-G-A.
Other names: c.707C>T, p.Pro236Leu (NM_001008389.3, NM_001378232.1, NM_001378233.1 and 3 more transcripts); c.806C>T, p.Pro269Leu (NM_001278614.2); short protein forms P236L, P269L.
Identifiers: ClinVar variation 521547 (VCV000521547.10), dbSNP rs1447458978, ClinGen allele CA394985022.
Genomic context (GRCh38, chr16:20,348,594, plus strand): 5'-CAGCAGTGGCCGCTCCAGTGCGCGCAGGCCTTGCGGCTCACGATGCCCTCGTCGCTGGAC[G>A]GATGCGTGCCATTGAGCCACATGGGGGCGGCCGTGTTGCAGCGCAGGACTGGCACGCAGG-3'
Protein context (NP_003352.2, residues 226-246): AAPMWLNGTH[Pro236Leu]SSDEGIVSRK